The following is an entry in ClinVar:

ClinVar aggregate classification (germline): Pathogenic (1 of 4 stars; one submission).

Conditions:
Breast-ovarian cancer, familial, susceptibility to, 4. Identifiers: Orphanet 145, MedGen C3280345, MONDO:0013669, OMIM 614291.

Submission:

Labcorp Genetics (formerly Invitae), Labcorp
Classification: Pathogenic for Breast-ovarian cancer, familial 4. Last evaluated: 2018-02-22. Review status: criteria provided, single submitter. Criteria: Invitae Variant Classification Sherloc (09022015). Collection method: clinical testing. Allele origin: germline.
Comment: This variant is a gross deletion of the genomic region encompassing exons 1-3 of the RAD51D gene, which includes the initiator codon. The 5' end of this event is unknown as it extends beyond the assayed region for this gene and therefore may encompass additional genes. The 3' boundary is likely confined to intron 3 of the RAD51D gene. This is expected to result in an absent or disrupted protein product. This variant has not been reported in the literature in individuals with RAD51D-related disease. Loss-of-function variants in RAD51D are known to be pathogenic (PMID: 21822267). For these reasons, this variant has been classified as Pathogenic.

NC_000017.11:g.(?_35118495)_(35119619_?)del

Genes: RAD51L3-RFFL (RAD51L3-RFFL readthrough; minus strand), RAD51D (RAD51 paralog D; minus strand). Cytogenetic location: 17q12.
Variant type: Deletion.
Identifiers: ClinVar variation 583961 (VCV000583961.1).